The following is an entry in ClinVar:

NM_006412.4(AGPAT2):c.731T>C (p.Leu244Pro)

Gene: AGPAT2 (1-acylglycerol-3-phosphate O-acyltransferase 2; minus strand). Cytogenetic location: 9q34.3.
Variant type: single nucleotide variant.
Coding change: c.731T>C on transcript NM_006412.4 (MANE Select); coding-DNA position 731, T replaced by C.
Protein change: p.Leu244Pro; replaces leucine 244 with proline.
Molecular consequence: missense variant.
Genome position (GRCh38, 1-based): chr9:136,673,858, A>G on the plus strand (T>C on the coding strand, the complement: AGPAT2 is on the minus strand). VCF-style: chr9-136673858-A-G. GRCh37 (hg19) VCF-style: chr9-139568310-A-G.
Other names: p.Leu244Pro; c.635T>C, p.Leu212Pro (NM_001012727.2); short protein forms L244P, L212P.
Identifiers: ClinVar variation 3674668 (VCV003674668.3).
Genomic context (GRCh38, chr9:136,673,858, plus strand): 5'-TGGGGGGTCTTGGAGATGTGGAGGAAGGTGGTCCTCATGGCCCGGTGGCAGGTGTCCACG[A>G]GCGCAGGGACGTCCGCCGCAGTGAGGCCGCTGGTGGGGATGGCTTCCAGCACCTGCACTG-3'
Protein context (NP_006403.2, residues 234-254): SGLTAADVPA[Leu244Pro]VDTCHRAMRT

ClinVar aggregate classification (germline): Conflicting classifications of pathogenicity. Review status: criteria provided, conflicting classifications (1 of 4 stars). 2 submissions from 2 submitters: Likely pathogenic (1); Uncertain significance (1). Last evaluated 2026-07-11.

Conditions:
Congenital generalized lipodystrophy type 1 (CGL1). Also called: BRUNZELL SYNDROME, AGPAT2-RELATED; Berardinelli-Seip Congenital Lipodystrophy Type 1. Identifiers: Orphanet 528, Orphanet 696189, MedGen C1720862, MONDO:0012071, OMIM 608594.

Submissions (2):

Laboratory of Molecular Genetics, Uzhhorod National University
Classification: Likely pathogenic for Congenital generalized lipodystrophy type 1. Last evaluated: 2026-07-11. Review status: criteria provided, single submitter. Criteria: ACMG Guidelines, 2015. Collection method: research. Allele origin: de novo. Inheritance: Autosomal recessive inheritance. Affected: yes. Observed: 1 variant allele, 1 homozygote.
Comment: The AGPAT2 c.731T>C (p.Leu244Pro) variant is absent from large population databases, including gnomAD, supporting its rarity (PM2). This sequence change replaces leucine, which is neutral and non-polar, with proline, which is neutral and non-polar, at codon 244 of the AGPAT2 protein. To date, this specific variant has not been previously reported in the medical literature in individuals affected with AGPAT2-related conditions. Advanced modeling of protein sequence and biophysical properties (such as structural, functional, and spatial information, amino acid conservation, physicochemical variation, residue mobility, and thermodynamic stability) performed at Invitae indicates that this missense variant is expected to disrupt AGPAT2 protein function with a positive predictive value of 80%. Due to the evidence indicating a potential disruption of protein function and the absence of the variant in population databases, the c.731T>C (p.Leu244Pro) AGPAT2 variant meets the criteria to be classified as a Likely Pathogenic Variant (LPV). Clinical correlation and targeted testing of the parents are recommended to evaluate the inheritance status and help further interpret the clinical relevance of this variant.

Labcorp Genetics (formerly Invitae), Labcorp
Classification: Uncertain significance. Last evaluated: 2024-03-07. Review status: criteria provided, single submitter. Criteria: Invitae Variant Classification Sherloc (09022015). Collection method: clinical testing. Allele origin: germline.
Comment: This sequence change replaces leucine, which is neutral and non-polar, with proline, which is neutral and non-polar, at codon 244 of the AGPAT2 protein (p.Leu244Pro). This variant is not present in population databases (gnomAD no frequency). This variant has not been reported in the literature in individuals affected with AGPAT2-related conditions. Advanced modeling of protein sequence and biophysical properties (such as structural, functional, and spatial information, amino acid conservation, physicochemical variation, residue mobility, and thermodynamic stability) performed at Invitae indicates that this missense variant is expected to disrupt AGPAT2 protein function with a positive predictive value of 80%. In summary, the available evidence is currently insufficient to determine the role of this variant in disease. Therefore, it has been classified as a Variant of Uncertain Significance.